The following is an entry in ClinVar:

NM_024642.5(GALNT12):c.939dup (p.Leu314fs)

Gene: GALNT12 (polypeptide N-acetylgalactosaminyltransferase 12; plus strand). Cytogenetic location: 9q22.33.
Variant type: Duplication.
Coding change: c.939dup on transcript NM_024642.5 (MANE Select); coding-DNA position 939, one base duplicated (G; older notation c.939dupG).
Protein change: p.Leu314fs; shifts the reading frame from leucine 314.
Molecular consequence: frameshift variant.
Genome position (GRCh38, 1-based): chr9:98,835,270, G duplicated; the last of 3 consecutive G bases (chr9:98,835,268-98,835,270); duplicating any one gives the same sequence. VCF-style (leftmost placement, unchanged base first): chr9-98835267-T-TG. GRCh37 (hg19) VCF-style: chr9-101597549-T-TG.
Other names: short protein forms L314fs.
Identifiers: ClinVar variation 4713336 (VCV004713336.1).

ClinVar aggregate classification (germline): Uncertain significance (1 of 4 stars; one submission).

Submission:

Labcorp Genetics (formerly Invitae), Labcorp
Classification: Uncertain significance. Last evaluated: 2025-02-18. Review status: criteria provided, single submitter. Criteria: Invitae Variant Classification Sherloc (09022015). Collection method: clinical testing. Allele origin: germline.
Comment: This sequence change creates a premature translational stop signal (p.Leu314Alafs*6) in the GALNT12 gene. It is expected to result in an absent or disrupted protein product. However, the current clinical and genetic evidence is not sufficient to establish whether loss-of-function variants in GALNT12 cause disease. This variant is not present in population databases (gnomAD no frequency). This variant has not been reported in the literature in individuals affected with GALNT12-related conditions. In summary, the available evidence is currently insufficient to determine the role of this variant in disease. Therefore, it has been classified as a Variant of Uncertain Significance.